The following is an entry in ClinVar:

NM_024060.4(AHNAK):c.414G>A (p.Gly138=)

Gene: AHNAK (AHNAK nucleoprotein; minus strand). Cytogenetic location: 11q12.3.
Variant type: single nucleotide variant.
Coding change: c.414G>A on transcript NM_024060.4; coding-DNA position 414, G replaced by A.
Protein change: p.Gly138=; no amino-acid change (glycine 138 retained).
Molecular consequence: synonymous variant.
Genome position (GRCh38, 1-based): chr11:62,491,760, C>T on the plus strand (G>A on the coding strand, the complement: AHNAK is on the minus strand). VCF-style: chr11-62491760-C-T. GRCh37 (hg19) VCF-style: chr11-62259232-C-T.
Identifiers: ClinVar variation 3039757 (VCV003039757.2), dbSNP rs186457938, ClinGen allele CA6043571.
Genomic context (GRCh38, chr11:62,491,760, plus strand): 5'-ATCCGTCTTTCAGTCCCCATCACTTCTCTCACCTGCATTTGGGGTGGAGACTGAAACTGC[C>T]CCGGCTTGGCTGCTGGCTTCCTTCTGTTTGTTCTGGTCTTTGCATTCCAGTGCTGATGGC-3'

ClinVar aggregate classification (germline): Likely benign (0 of 4 stars; one submission).

Conditions:
AHNAK-related disorder. Also called: AHNAK-related condition.

Allele frequency attached by ClinVar (database versions not stated): gnomAD exomes 0.00011; 1000 Genomes Project 30x 0.00078; TOPMed 0.00027; gnomAD 0.00020; ExAC 0.00061; 1000 Genomes Project 0.00100.

Submission:

PreventionGenetics, part of Exact Sciences
Classification: Likely benign for AHNAK-related condition. Last evaluated: 2019-09-18. Review status: no assertion criteria provided. Collection method: clinical testing. Allele origin: germline.
Comment: This variant is classified as likely benign based on ACMG/AMP sequence variant interpretation guidelines (Richards et al. 2015 PMID: 25741868, with internal and published modifications).